The following is an entry in ClinVar:

NM_001369369.1(FOXN1):c.1795_1796delinsCA (p.Ala599His)

Gene: FOXN1 (forkhead box N1; plus strand). Cytogenetic location: 17q11.2.
Variant type: Indel.
Coding change: c.1795_1796delinsCA on transcript NM_001369369.1 (MANE Select); coding-DNA positions 1795 to 1796, GC replaced by CA.
Protein change: p.Ala599His; replaces alanine 599 with histidine.
Molecular consequence: missense variant.
Genome position (GRCh38, 1-based): chr17:28,537,284-28,537,285, GC replaced by CA. VCF-style: chr17-28537284-GC-CA. GRCh37 (hg19) VCF-style: chr17-26864302-GC-CA.
Other names: c.1795_1796delinsCA, p.Ala599His (NM_003593.3); short protein forms A599H.
Identifiers: ClinVar variation 844905 (VCV000844905.5), dbSNP rs2070093430, ClinGen allele CA916081983.
Genomic context (GRCh38, chr17:28,537,284, plus strand): 5'-CACTGCTTCCCCCCTGGGCCCTGTCTGACAGAGACAGGCAGTGGGGCAGGTGACTTGGCA[GC>CA]CCCGGGCAGTGGTGGCTCCGGGGCACTGGGTGACCTGCACCTCACCACCCTCTACTCTGC-3'
Protein context (NP_001356298.1, residues 589-609): ETGSGAGDLA[Ala599His]PGSGGSGALG

ClinVar aggregate classification (germline): Uncertain significance (1 of 4 stars; one submission).

Conditions:
T-cell immunodeficiency, congenital alopecia, and nail dystrophy. Also called: Congenital alopecia and nail dystrophy associated with severe functional T-cell immunodeficiency; Pignata Guarino syndrome. Identifiers: Orphanet 169095, MedGen C1866426, MONDO:0011132, OMIM 601705.

Submission:

Labcorp Genetics (formerly Invitae), Labcorp
Classification: Uncertain significance for T-cell immunodeficiency, congenital alopecia, and nail dystrophy. Last evaluated: 2025-11-03. Review status: criteria provided, single submitter. Criteria: Invitae Variant Classification Sherloc (09022015). Collection method: clinical testing. Allele origin: germline.
Comment: This sequence change replaces alanine, which is neutral and non-polar, with histidine, which is basic and polar, at codon 599 of the FOXN1 protein (p.Ala599His). This variant is present in population databases (no rsID available, gnomAD 0.007%). This variant has not been reported in the literature in individuals affected with FOXN1-related conditions. ClinVar contains an entry for this variant (Variation ID: 844905). An algorithm developed to predict the effect of missense changes on protein structure and function (PolyPhen-2) suggests that this variant is likely to be tolerated. In summary, the available evidence is currently insufficient to determine the role of this variant in disease. Therefore, it has been classified as a Variant of Uncertain Significance.